The following is an entry in ClinVar:

ClinVar aggregate classification (germline): Uncertain significance (1 of 4 stars; one submission).

Allele frequency attached by ClinVar (database versions not stated): gnomAD 0.00001; gnomAD exomes 0.00001 and 0.00002; TOPMed 0.00001; ESP Exome Variant Server 0.00008; ExAC 0.00001.
gnomAD v4.1: 24 of 1,614,050 alleles (0.0015%); highest among the groups gnomAD compares: Middle Eastern, 0.016%; no homozygotes.

Submission:

Labcorp Genetics (formerly Invitae), Labcorp
Classification: Uncertain significance. Last evaluated: 2021-07-21. Review status: criteria provided, single submitter. Criteria: Invitae Variant Classification Sherloc (09022015). Collection method: clinical testing. Allele origin: germline.
Comment: In summary, the available evidence is currently insufficient to determine the role of this variant in disease. Therefore, it has been classified as a Variant of Uncertain Significance. Algorithms developed to predict the effect of missense changes on protein structure and function output the following: SIFT: "Tolerated"; PolyPhen-2: "Benign"; Align-GVGD: "Class C0". The valine amino acid residue is found in multiple mammalian species, suggesting that this missense change does not adversely affect protein function. These predictions have not been confirmed by published functional studies and their clinical significance is uncertain. This variant has not been reported in the literature in individuals with ACBD5-related conditions. This variant is present in population databases (rs374928340, ExAC 0.001%). This sequence change replaces isoleucine with valine at codon 243 of the ACBD5 protein (p.Ile243Val). The isoleucine residue is weakly conserved and there is a small physicochemical difference between isoleucine and valine.

NM_145698.5(ACBD5):c.727A>G (p.Ile243Val)

Gene: ACBD5 (acyl-CoA binding domain containing 5; minus strand). Cytogenetic location: 10p12.1.
Variant type: single nucleotide variant.
Coding change: c.727A>G on transcript NM_145698.5 (MANE Select); coding-DNA position 727, A replaced by G.
Protein change: p.Ile243Val; replaces isoleucine 243 with valine.
Molecular consequence: missense variant. On other transcripts: intron variant (6).
Genome position (GRCh38, 1-based): chr10:27,218,082, T>C on the plus strand (A>G on the coding strand, the complement: ACBD5 is on the minus strand). VCF-style: chr10-27218082-T-C. GRCh37 (hg19) VCF-style: chr10-27507011-T-C.
Other names: c.622A>G, p.Ile208Val (NM_001042473.4, NM_001352577.2, NM_001352578.2 and 1 more transcripts); c.721A>G, p.Ile241Val (NM_001271512.3); c.400A>G, p.Ile134Val (NM_001301251.2, NM_001301252.2, NM_001301253.2 and 2 more transcripts); c.781A>G, p.Ile261Val (NM_001352568.1); c.760A>G, p.Ile254Val (NM_001352569.1); c.727A>G, p.Ile243Val (NM_001352570.1); c.754A>G, p.Ile252Val (NM_001352571.1); c.748A>G, p.Ile250Val (NM_001352572.1); and 10 more; short protein forms I190V, I219V, I208V, I236V, I145V, I241V, I243V, I252V.
Identifiers: ClinVar variation 1518599 (VCV001518599.6), dbSNP rs374928340, ClinGen allele CA5450842.